The following is an entry in ClinVar:

NM_001034853.2(RPGR):c.2890G>T (p.Gly964Trp)

Gene: RPGR (retinitis pigmentosa GTPase regulator; minus strand). Cytogenetic location: Xp11.4.
Variant type: single nucleotide variant.
Coding change: c.2890G>T on transcript NM_001034853.2 (MANE Select); coding-DNA position 2890, G replaced by T.
Protein change: p.Gly964Trp; replaces glycine 964 with tryptophan.
Molecular consequence: missense variant. On other transcripts: intron variant (8).
Genome position (GRCh38, 1-based): chrX:38,286,109, C>A on the plus strand (G>T on the coding strand, the complement: RPGR is on the minus strand). VCF-style: chrX-38286109-C-A. GRCh37 (hg19) VCF-style: chrX-38145362-C-A.
Other names: c.1569+4850G>T (NM_001367249.1, NM_001367250.1); c.1902+985G>T (NM_001367245.1); c.1386+4850G>T (NM_001367251.1); c.1719+985G>T (NM_001367246.1); c.1572+4850G>T (NM_001367247.1); c.1905+985G>T (NM_000328.3); c.1602+4850G>T (NM_001367248.1); short protein forms G964W.
Identifiers: ClinVar variation 4882286 (VCV004882286.2).
Genomic context (GRCh38, chrX:38,286,109, plus strand): 5'-CCTCTTCCCCCTCCCCTTCTCCTTCCTCCCCTTCCCCTTCTCCTTCCTCTTCCCCCTCCC[C>A]TTCTCCTTCCTCCTCTTCCCCCTCCCATTCTCCTTCCTCCTCTTCCCCCTCCCCTTCTCC-3'
Protein context (NP_001030025.1, residues 954-974): EWEGEEEEGE[Gly964Trp]EGEEEGEGEG

ClinVar aggregate classification (germline): Uncertain significance (1 of 4 stars; one submission).

Submission:

Dasa
Classification: Uncertain significance. Last evaluated: 2025-07-18. Review status: criteria provided, single submitter. Criteria: DASA Assertion Criteria. Collection method: clinical testing. Allele origin: germline.
Comment: NM_001034853.2(RPGR):c.2890G>T (p.Gly964Trp) is a missense variant that results in the substitution of glycine with tryptophan. This variant is rare in population databases. Computational prediction algorithms are consistent with a benign effect. The currently available literature and clinical evidence are not sufficient to establish a definitive association between this variant and the reported condition. Therefore, this variant is classified as a variant of uncertain significance.